The following is an entry in ClinVar:

ClinVar aggregate classification (germline): Uncertain significance (1 of 4 stars; one submission).

gnomAD v4.1: 1 of 1,613,680 alleles (0.000062%); no homozygotes.

Submission:

Labcorp Genetics (formerly Invitae), Labcorp
Classification: Uncertain significance. Last evaluated: 2022-07-19. Review status: criteria provided, single submitter. Criteria: Invitae Variant Classification Sherloc (09022015). Collection method: clinical testing. Allele origin: germline.
Comment: In summary, the available evidence is currently insufficient to determine the role of this variant in disease. Therefore, it has been classified as a Variant of Uncertain Significance. Algorithms developed to predict the effect of missense changes on protein structure and function (SIFT, PolyPhen-2, Align-GVGD) all suggest that this variant is likely to be tolerated. This variant has not been reported in the literature in individuals affected with FBXW7-related conditions. This variant is not present in population databases (gnomAD no frequency). This sequence change replaces methionine, which is neutral and non-polar, with valine, which is neutral and non-polar, at codon 706 of the FBXW7 protein (p.Met706Val).

NM_001349798.2(FBXW7):c.2116A>G (p.Met706Val)

Gene: FBXW7 (F-box and WD repeat domain containing 7; minus strand). Cytogenetic location: 4q31.3.
Variant type: single nucleotide variant.
Coding change: c.2116A>G on transcript NM_001349798.2 (MANE Select); coding-DNA position 2116, A replaced by G.
Protein change: p.Met706Val; replaces methionine 706 with valine.
Molecular consequence: missense variant.
Genome position (GRCh38, 1-based): chr4:152,322,889, T>C on the plus strand (A>G on the coding strand, the complement: FBXW7 is on the minus strand). VCF-style: chr4-152322889-T-C. GRCh37 (hg19) VCF-style: chr4-153244041-T-C.
Other names: c.1762A>G, p.Met588Val (NM_001013415.2); c.1876A>G, p.Met626Val (NM_018315.5); c.2116A>G, p.Met706Val (NM_033632.3); short protein forms M588V, M626V, M706V.
Identifiers: ClinVar variation 2170337 (VCV002170337.4), dbSNP rs2126457655, ClinGen allele CA358616764.